The following is an entry in ClinVar:

NM_004448.4(ERBB2):c.2524G>A (p.Val842Ile)

Gene: ERBB2 (erb-b2 receptor tyrosine kinase 2; plus strand). Cytogenetic location: 17q12.
Variant type: single nucleotide variant.
Coding change: c.2524G>A on transcript NM_004448.4 (MANE Select); coding-DNA position 2524, G replaced by A.
Protein change: p.Val842Ile; replaces valine 842 with isoleucine.
Molecular consequence: missense variant. On other transcripts: non-coding transcript variant (1), intron variant (3).
Genome position (GRCh38, 1-based): chr17:39,725,079, G>A. VCF-style: chr17-39725079-G-A. GRCh37 (hg19) VCF-style: chr17-37881332-G-A.
Other names: c.2434G>A, p.Val812Ile (NM_001005862.3, NM_001382782.1, NM_001382783.1); c.2479G>A, p.Val827Ile (NM_001289936.2); c.2524G>A, p.Val842Ile (NM_001289937.2, NM_001382796.1); c.2641G>A, p.Val881Ile (NM_001382784.1); c.2626G>A, p.Val876Ile (NM_001382785.1); c.2605G>A, p.Val869Ile (NM_001382786.1); c.2599G>A, p.Val867Ile (NM_001382787.1); c.2554G>A, p.Val852Ile (NM_001382788.1); and 15 more; short protein forms V812I, V827I, V842I, V496I, V566I, V756I, V780I, V782I.
Identifiers: ClinVar variation 375994 (VCV000375994.10), dbSNP rs1057519738, ClinGen allele CA16602468.
Genomic context (GRCh38, chr17:39,725,079, plus strand): 5'-GAAGGTCTACATGGGTGCTTCCCATTCCAGGGGATGAGCTACCTGGAGGATGTGCGGCTC[G>A]TACACAGGGACTTGGCCGCTCGGAACGTGCTGGTCAAGAGTCCCAACCATGTCAAAATTA-3'
Protein context (NP_004439.2, residues 832-852): GMSYLEDVRL[Val842Ile]HRDLAARNVL

ClinVar aggregate classification (germline): Uncertain significance (1 of 4 stars; one submission).
ClinVar aggregate classification (somatic clinical impact): Tier II - Potential (1 of 4 stars; one submission).
ClinVar aggregate classification (oncogenicity): Uncertain significance (1 of 4 stars; one submission).

Conditions:
Colorectal cancer. Also called: Colorectal cancer, somatic; Malignant Colorectal Neoplasm. Identifiers: MedGen C0346629, MONDO:0005575, OMIM 114500.
Neoplasm. Also called: Neoplasms; Neoplasm (disease); tumor. Identifiers: MedGen C0027651, MeSH D009369, MONDO:0005070, HP:0002664.

Allele frequency attached by ClinVar (database versions not stated): gnomAD exomes below 0.00001.
gnomAD v4.1: 3 of 1,614,126 alleles (0.00019%); highest among the groups gnomAD compares: Non-Finnish European, 0.00025%; no homozygotes.

Submissions (3):

Labcorp Genetics (formerly Invitae), Labcorp
Classification: Uncertain significance. Last evaluated: 2025-10-18. Review status: criteria provided, single submitter. Criteria: Invitae Variant Classification Sherloc (09022015). Collection method: clinical testing. Allele origin: germline.
Comment: This sequence change replaces valine, which is neutral and non-polar, with isoleucine, which is neutral and non-polar, at codon 842 of the ERBB2 protein (p.Val842Ile). This variant is present in population databases (no rsID available, gnomAD 0.0009%). This variant has not been reported in the literature in individuals affected with ERBB2-related conditions. ClinVar contains an entry for this variant (Variation ID: 375994). Invitae Evidence Modeling of protein sequence and biophysical properties (such as structural, functional, and spatial information, amino acid conservation, physicochemical variation, residue mobility, and thermodynamic stability) indicates that this missense variant is not expected to disrupt ERBB2 protein function with a negative predictive value of 80%. In summary, the available evidence is currently insufficient to determine the role of this variant in disease. Therefore, it has been classified as a Variant of Uncertain Significance.

Center for Genomic Medicine, Rigshospitalet, Copenhagen University Hospital
Classification: Uncertain significance for Neoplasm. Last evaluated: 2025-03-04. Review status: criteria provided, single submitter. Criteria: ClinGen/CGC/VICC Guidelines for Oncogenicity, 2022. Collection method: clinical testing. Allele origin: somatic. Affected: yes.

Institute for Genomic Medicine (IGM) Clinical Laboratory, Nationwide Children's Hospital
Classification: Tier II - Potential for Colorectal cancer. Assertion type: diagnostic. Clinical significance: supports diagnosis. Last evaluated: 2023-10-17. Review status: criteria provided, single submitter. Criteria: AMP/ASCO/CAP Guidelines, 2017. Collection method: clinical testing. Allele origin: somatic. Affected: yes.
Comment: Variant has Tier II (potential) clinical significance as a diagnostic inclusion criterion in colorectal cancer, based on the following evidence: 1) Documented in one or more cancer databases (e.g., St. Jude Pecan, COSMIC, CIViC, OncoKB). 2) Information in the literature supports potential biologic effect of variant (PMID: 23220880). 3) Diagnostic significance based on multiple small studies (Evidence Level C; PMIDs: 16397024, 22810696, 28179590, 29316426).

Literature cited by the submitters: PubMed 23220880 (cited by Center for Genomic Medicine, Rigshospitalet, Copenhagen University Hospital and Institute for Genomic Medicine (IGM) Clinical Laboratory, Nationwide Children's Hospital); PubMed 31588020 (cited by Center for Genomic Medicine, Rigshospitalet, Copenhagen University Hospital); PubMed 35503682 (cited by Center for Genomic Medicine, Rigshospitalet, Copenhagen University Hospital); PubMed 29533785 (cited by Center for Genomic Medicine, Rigshospitalet, Copenhagen University Hospital); PubMed 16397024 (cited by Institute for Genomic Medicine (IGM) Clinical Laboratory, Nationwide Children's Hospital); PubMed 22810696 (cited by Institute for Genomic Medicine (IGM) Clinical Laboratory, Nationwide Children's Hospital); PubMed 28179590 (cited by Institute for Genomic Medicine (IGM) Clinical Laboratory, Nationwide Children's Hospital); PubMed 29316426 (cited by Institute for Genomic Medicine (IGM) Clinical Laboratory, Nationwide Children's Hospital).